The following is an entry in ClinVar:

ClinVar aggregate classification (germline): Benign/Likely benign. Review status: criteria provided, multiple submitters, no conflicts (2 of 4 stars). 3 submissions from 3 submitters: Benign (1); Likely benign (2). Last evaluated 2026-03-01.

Conditions:
Inborn genetic diseases. Identifiers: MedGen C0950123, MeSH D030342.
Alpha thalassemia-X-linked intellectual disability syndrome (ATRX). Also called: X-linked alpha-thalassemia-mental retardation syndrome; ALPHA-THALASSEMIA/IMPAIRED INTELLECTUAL DEVELOPMENT SYNDROME, X-LINKED; ALPHA-THALASSEMIA/MENTAL RETARDATION SYNDROME, X-LINKED; ATR, NONDELETION TYPE; ATR-X syndrome; Alpha thalassemia mental retardation syndrome, nondeletion type, X-linked. Identifiers: Orphanet 847, MedGen C1845055, MONDO:0010519, OMIM 301040.

Allele frequency attached by ClinVar (database versions not stated): gnomAD 0.00005 and 0.00004; TOPMed 0.00009; 1000 Genomes Project 30x 0.00021; gnomAD exomes 0.00002 and 0.00003; ExAC 0.00003; 1000 Genomes Project 0.00026; ESP Exome Variant Server 0.00009.
gnomAD v4.1: 24 of 1,209,714 alleles (0.002%); highest among the groups gnomAD compares: African/African-American, 0.01%; no homozygotes.

Submissions (3):

CeGaT Center for Human Genetics Tuebingen
Classification: Likely benign. Last evaluated: 2026-03-01. Review status: criteria provided, single submitter. Criteria: CeGaT Center For Human Genetics Tuebingen Variant Classification Criteria Version 2. Collection method: clinical testing. Allele origin: germline. Affected: yes. Observed: 1 variant allele.
Comment: ATRX: BS2

Labcorp Genetics (formerly Invitae), Labcorp
Classification: Benign for Alpha thalassemia-X-linked intellectual disability syndrome. Last evaluated: 2025-08-01. Review status: criteria provided, single submitter. Criteria: Invitae Variant Classification Sherloc (09022015). Collection method: clinical testing. Allele origin: germline.

Ambry Genetics
Classification: Likely benign for Inborn genetic diseases. Last evaluated: 2024-01-31. Review status: criteria provided, single submitter. Criteria: Ambry Variant Classification Scheme 2023. Collection method: clinical testing. Allele origin: germline.

NM_000489.6(ATRX):c.2764G>A (p.Asp922Asn)

Gene: ATRX (ATRX chromatin remodeler; minus strand). Cytogenetic location: Xq21.1.
Variant type: single nucleotide variant.
Coding change: c.2764G>A on transcript NM_000489.6 (MANE Select); coding-DNA position 2764, G replaced by A.
Protein change: p.Asp922Asn; replaces aspartic acid 922 with asparagine.
Molecular consequence: missense variant.
Genome position (GRCh38, 1-based): chrX:77,682,492, C>T on the plus strand (G>A on the coding strand, the complement: ATRX is on the minus strand). VCF-style: chrX-77682492-C-T. GRCh37 (hg19) VCF-style: chrX-76937984-C-T.
Other names: c.2650G>A, p.Asp884Asn (NM_138270.5); c.2764G>A (NM_000489.3); short protein forms D884N, D922N.
Identifiers: ClinVar variation 1164429 (VCV001164429.14), dbSNP rs373581602, ClinGen allele CA10458034.
Genomic context (GRCh38, chrX:77,682,492, plus strand): 5'-TTTCAGCAACTTTTCTAACTTCCAAAGAAGTAAAACTCTCCTCTTTCCCAGAAAGCTTAT[C>T]GACACCATCAGTGGAAGCACTTGCTTGCTGCTTCTTAGGAAGTCGATCTCTTAATTCCAT-3'
Protein context (NP_000480.3, residues 912-932): QQASASTDGV[Asp922Asn]KLSGKEESFT